The following is an entry in ClinVar:

NM_005271.5(GLUD1):c.646+16_646+17del

Gene: GLUD1 (glutamate dehydrogenase 1; minus strand). Cytogenetic location: 10q23.2.
Variant type: Deletion.
Coding change: c.646+16_646+17del on transcript NM_005271.5 (MANE Select); bases 16 to 17 of the intron after coding-DNA position 646, 2 bases deleted (TA; older notation c.646+16_646+17delTA).
Molecular consequence: intron variant.
Genome position (GRCh38, 1-based): chr10:87,074,534-87,074,535, TA deleted on the plus strand (TA on the coding strand, the reverse complement: GLUD1 is on the minus strand); deleting any 2 consecutive bases within chr10:87,074,534-87,074,536 gives the same sequence; the c. name uses the placement nearest the transcript's 3' end. VCF-style (leftmost placement, unchanged base first): chr10-87074533-CTA-C. GRCh37 (hg19) VCF-style: chr10-88834290-CTA-C.
Other names: p.?; c.247+16_247+17del (NM_001318900.1); c.145+16_145+17del (NM_001318902.1, NM_001318901.1, NM_001318906.2 and 2 more transcripts); c.646+16_646+17delTA (NM_005271.3, NM_005271.5).
Identifiers: ClinVar variation 418235 (VCV000418235.10), dbSNP rs201141455, ClinGen allele CA5587622.

ClinVar aggregate classification (germline): Benign. Review status: criteria provided, multiple submitters, no conflicts (2 of 4 stars). 5 submissions from 5 submitters: Benign (5). Last evaluated 2026-01-25.

Conditions:
Hyperinsulinism-hyperammonemia syndrome (HHF6). Identifiers: Orphanet 35878, MedGen C1847555, MONDO:0011717, OMIM 606762.

Submissions (5):

Labcorp Genetics (formerly Invitae), Labcorp
Classification: Benign for Hyperinsulinism-hyperammonemia syndrome. Last evaluated: 2026-01-25. Review status: criteria provided, single submitter. Criteria: Invitae Variant Classification Sherloc (09022015). Collection method: clinical testing. Allele origin: germline.

Mayo Clinic Laboratories, Mayo Clinic
Classification: Benign. Last evaluated: 2025-01-28. Review status: criteria provided, single submitter. Criteria: ACMG Guidelines, 2015. Collection method: clinical testing. Allele origin: germline. Observed: 1 variant allele.
Comment: BA1, BS2, BP7

Women's Health and Genetics/Laboratory Corporation of America, LabCorp
Classification: Benign. Last evaluated: 2024-12-20. Review status: criteria provided, single submitter. Criteria: LabCorp Variant Classification Summary - May 2015. Collection method: clinical testing. Allele origin: germline.
Comment: Variant summary: GLUD1 c.646+16_646+17delTA alters non-conserved nucleotides located at a position not widely known to affect splicing. Consensus agreement among computation tools predict no significant impact on normal splicing. However, these predictions have yet to be confirmed by functional studies. The variant allele was found at a frequency of 0.0015 in 250880 control chromosomes in the gnomAD database, including 5 homozygotes. The observed variant frequency is approximately 2391.58 fold of the estimated maximal expected allele frequency for a pathogenic variant in GLUD1 causing Congenital Hyperinsulinism phenotype (6.3e-07). To our knowledge, no occurrence of c.646+16_646+17delTA in individuals affected with Congenital Hyperinsulinism and no experimental evidence demonstrating its impact on protein function have been reported. ClinVar contains an entry for this variant (Variation ID: 418235). Based on the evidence outlined above, the variant was classified as benign.

Athena Diagnostics
Classification: Benign for Hyperinsulinism-hyperammonemia syndrome. Last evaluated: 2017-06-29. Review status: criteria provided, single submitter. Criteria: Athena Diagnostics Criteria. Collection method: clinical testing. Allele origin: germline.

GeneDx
Classification: Benign. Last evaluated: 2015-12-03. Review status: criteria provided, single submitter. Criteria: GeneDx Variant Classification (06012015). Collection method: clinical testing. Allele origin: germline. Affected: yes.
Comment: This variant is considered likely benign or benign based on one or more of the following criteria: it is a conservative change, it occurs at a poorly conserved position in the protein, it is predicted to be benign by multiple in silico algorithms, and/or has population frequency not consistent with disease.